The following is an entry in ClinVar:

ClinVar aggregate classification (germline): Uncertain significance (1 of 4 stars; one submission).

Allele frequency attached by ClinVar (database versions not stated): gnomAD 0.00001; gnomAD exomes 0.00001; TOPMed 0.00002.
gnomAD v4.1: 12 of 1,614,090 alleles (0.00074%); highest among the groups gnomAD compares: Middle Eastern, 0.033%; no homozygotes.

Submission:

Labcorp Genetics (formerly Invitae), Labcorp
Classification: Uncertain significance. Last evaluated: 2022-06-27. Review status: criteria provided, single submitter. Criteria: Invitae Variant Classification Sherloc (09022015). Collection method: clinical testing. Allele origin: germline.
Comment: This sequence change replaces glutamic acid with aspartic acid at codon 521 of the MCPH1 protein (p.Glu521Asp). The glutamic acid residue is weakly conserved and there is a small physicochemical difference between glutamic acid and aspartic acid. This variant is present in population databases (no rsID available, gnomAD 0.003%). This variant has not been reported in the literature in individuals affected with MCPH1-related conditions. Algorithms developed to predict the effect of missense changes on protein structure and function output the following: SIFT: "Not Available"; PolyPhen-2: "Benign"; Align-GVGD: "Not Available". The aspartic acid amino acid residue is found in multiple mammalian species, which suggests that this missense change does not adversely affect protein function. In summary, the available evidence is currently insufficient to determine the role of this variant in disease. Therefore, it has been classified as a Variant of Uncertain Significance.

NM_024596.5(MCPH1):c.1563G>C (p.Glu521Asp)

Gene: MCPH1 (microcephalin 1; plus strand). Cytogenetic location: 8p23.1.
Variant type: single nucleotide variant.
Coding change: c.1563G>C on transcript NM_024596.5 (MANE Select); coding-DNA position 1563, G replaced by C.
Protein change: p.Glu521Asp; replaces glutamic acid 521 with aspartic acid.
Molecular consequence: missense variant. On other transcripts: non-coding transcript variant (1).
Genome position (GRCh38, 1-based): chr8:6,445,285, G>C. VCF-style: chr8-6445285-G-C. GRCh37 (hg19) VCF-style: chr8-6302806-G-C.
Other names: c.1563G>C, p.Glu521Asp (NM_001172574.2, NM_001322042.2, NM_001363979.1 and 1 more transcripts); c.1419G>C, p.Glu473Asp (NM_001172575.2); c.1557G>C, p.Glu519Asp (NM_001322043.2); c.1461G>C, p.Glu487Asp (NM_001322045.2); short protein forms E519D, E521D, E473D, E487D.
Identifiers: ClinVar variation 1416125 (VCV001416125.5), dbSNP rs535274041, ClinGen allele CA370221892.